The following is an entry in ClinVar:

ClinVar aggregate classification (germline): Uncertain significance (1 of 4 stars; one submission).

Submission:

Ambry Genetics
Classification: Uncertain significance. Last evaluated: 2026-06-03. Review status: criteria provided, single submitter. Criteria: Ambry Variant Classification Scheme 2023. Collection method: clinical testing. Allele origin: germline.
Comment: The p.L1583H variant (also known as c.4748T>A), located in coding exon 42 of the KIF1B gene, results from a T to A substitution at nucleotide position 4748. The leucine at codon 1583 is replaced by histidine, an amino acid with similar properties. This amino acid position is conserved. In addition, this alteration is predicted to be tolerated by in silico analysis. Based on the available evidence, the clinical significance of this variant remains unclear.

NM_001365951.3(KIF1B):c.4886T>A (p.Leu1629His)

Gene: KIF1B (kinesin family member 1B; plus strand). Cytogenetic location: 1p36.22.
Variant type: single nucleotide variant.
Coding change: c.4886T>A on transcript NM_001365951.3 (MANE Select); coding-DNA position 4886, T replaced by A.
Protein change: p.Leu1629His; replaces leucine 1629 with histidine.
Molecular consequence: missense variant.
Genome position (GRCh38, 1-based): chr1:10,371,202, T>A. VCF-style: chr1-10371202-T-A. GRCh37 (hg19) VCF-style: chr1-10431260-T-A.
Other names: c.4886T>A, p.Leu1629His (NM_001365952.1); c.4748T>A, p.Leu1583His (NM_015074.3); short protein forms L1583H, L1629H.
Identifiers: ClinVar variation 4858881 (VCV004858881.1).